The following is an entry in ClinVar:

ClinVar aggregate classification (germline): Uncertain significance (1 of 4 stars; one submission).

Conditions:
Cardiovascular phenotype. Identifiers: MedGen CN230736.
Hereditary cancer-predisposing syndrome. Also called: Neoplastic Syndromes, Hereditary; Tumor predisposition; Hereditary neoplastic syndrome; Hereditary Cancer Syndrome. Identifiers: Orphanet 140162, MedGen C0027672, MeSH D009386, MONDO:0015356.

gnomAD v4.1: 1 of 1,613,962 alleles (0.000062%); highest among the groups gnomAD compares: Non-Finnish European, 0.000085%; no homozygotes.

Submission:

Ambry Genetics
Classification: Uncertain significance for Cardiovascular phenotype; Hereditary cancer-predisposing syndrome. Last evaluated: 2026-06-17. Review status: criteria provided, single submitter. Criteria: Ambry Variant Classification Scheme 2023. Collection method: clinical testing. Allele origin: germline.
Comment: The p.R156G variant (also known as c.466C>G), located in coding exon 4 of the NF1 gene, results from a C to G substitution at nucleotide position 466. The arginine at codon 156 is replaced by glycine, an amino acid with dissimilar properties. This amino acid position is highly conserved in available vertebrate species. In addition, this alteration is predicted to be deleterious by in silico analysis. Based on the available evidence, the clinical significance of this variant remains unclear.

NM_001042492.3(NF1):c.466C>G (p.Arg156Gly)

Gene: NF1 (neurofibromin 1; plus strand). Cytogenetic location: 17q11.2.
Variant type: single nucleotide variant.
Coding change: c.466C>G on transcript NM_001042492.3 (MANE Select); coding-DNA position 466, C replaced by G.
Protein change: p.Arg156Gly; replaces arginine 156 with glycine.
Molecular consequence: missense variant.
Genome position (GRCh38, 1-based): chr17:31,163,363, C>G. VCF-style: chr17-31163363-C-G. GRCh37 (hg19) VCF-style: chr17-29490381-C-G.
Other names: c.466C>G, p.Arg156Gly (NM_000267.4, NM_001128147.3); short protein forms R156G.
Identifiers: ClinVar variation 5025532 (VCV005025532.1).